The following is an entry in ClinVar:

ClinVar aggregate classification (germline): Uncertain significance (1 of 4 stars; one submission).

Conditions:
Duchenne muscular dystrophy (DMD). Also called: MUSCULAR DYSTROPHY, PSEUDOHYPERTROPHIC PROGRESSIVE, DUCHENNE TYPE; Duchenne Muscular Dystrophy (DMD). Identifiers: Orphanet 98896, MedGen C0013264, MONDO:0010679, OMIM 310200.

Submission:

Labcorp Genetics (formerly Invitae), Labcorp
Classification: Uncertain significance for Duchenne muscular dystrophy. Last evaluated: 2021-12-24. Review status: criteria provided, single submitter. Criteria: Invitae Variant Classification Sherloc (09022015). Collection method: clinical testing. Allele origin: germline.
Comment: This sequence change replaces leucine, which is neutral and non-polar, with arginine, which is basic and polar, at codon 1555 of the DMD protein (p.Leu1555Arg). This variant is not present in population databases (gnomAD no frequency). This variant has not been reported in the literature in individuals affected with DMD-related conditions. Algorithms developed to predict the effect of missense changes on protein structure and function (SIFT, PolyPhen-2, Align-GVGD) all suggest that this variant is likely to be disruptive. In summary, the available evidence is currently insufficient to determine the role of this variant in disease. Therefore, it has been classified as a Variant of Uncertain Significance.

NM_004006.3(DMD):c.4664T>G (p.Leu1555Arg)

Gene: DMD (dystrophin; minus strand). Cytogenetic location: Xp21.1.
Variant type: single nucleotide variant.
Coding change: c.4664T>G on transcript NM_004006.3 (MANE Select); coding-DNA position 4664, T replaced by G.
Protein change: p.Leu1555Arg; replaces leucine 1555 with arginine.
Molecular consequence: missense variant.
Genome position (GRCh38, 1-based): chrX:32,386,320, A>C on the plus strand (T>G on the coding strand, the complement: DMD is on the minus strand). VCF-style: chrX-32386320-A-C. GRCh37 (hg19) VCF-style: chrX-32404437-A-C.
Other names: c.4640T>G, p.Leu1547Arg (NM_000109.4); c.4652T>G, p.Leu1551Arg (NM_004009.3); c.4295T>G, p.Leu1432Arg (NM_004010.3); c.641T>G, p.Leu214Arg (NM_004011.4); c.632T>G, p.Leu211Arg (NM_004012.4); short protein forms L1555R, L1432R, L1547R, L1551R, L211R, L214R.
Identifiers: ClinVar variation 1522810 (VCV001522810.6), dbSNP rs2147557285, ClinGen allele CA412662481.